The following is an entry in ClinVar:

ClinVar aggregate classification (germline): Likely pathogenic (1 of 4 stars; one submission).

Conditions:
Mucolipidosis type IV (ML4). Also called: ML IV. Identifiers: Orphanet 578, MedGen C0238286, MONDO:0009653, OMIM 252650.

Submission:

Labcorp Genetics (formerly Invitae), Labcorp
Classification: Likely pathogenic for Mucolipidosis type IV. Last evaluated: 2022-12-20. Review status: criteria provided, single submitter. Criteria: Invitae Variant Classification Sherloc (09022015). Collection method: clinical testing. Allele origin: germline.
Comment: In summary, the currently available evidence indicates that the variant is pathogenic, but additional data are needed to prove that conclusively. Therefore, this variant has been classified as Likely Pathogenic. Algorithms developed to predict the effect of sequence changes on RNA splicing suggest that this variant may disrupt the consensus splice site. This variant has not been reported in the literature in individuals affected with MCOLN1-related conditions. This variant is not present in population databases (gnomAD no frequency). This sequence change affects an acceptor splice site in intron 5 of the MCOLN1 gene. It is expected to disrupt RNA splicing. Variants that disrupt the donor or acceptor splice site typically lead to a loss of protein function (PMID: 16199547), and loss-of-function variants in MCOLN1 are known to be pathogenic (PMID: 11030752, 11317355).

Literature cited by the submitters: PubMed 16199547; PubMed 11030752; PubMed 11317355.

NM_020533.3(MCOLN1):c.681-1G>C

Gene: MCOLN1 (mucolipin TRP cation channel 1; plus strand). Cytogenetic location: 19p13.2.
Variant type: single nucleotide variant.
Coding change: c.681-1G>C on transcript NM_020533.3 (MANE Select); the canonical splice acceptor site of the intron before coding-DNA position 681, G replaced by C.
Molecular consequence: splice acceptor variant.
Genome position (GRCh38, 1-based): chr19:7,527,863, G>C. VCF-style: chr19-7527863-G-C. GRCh37 (hg19) VCF-style: chr19-7592749-G-C.
Identifiers: ClinVar variation 2822501 (VCV002822501.3), dbSNP rs2512470983, ClinGen allele CA403083607.